The following is an entry in ClinVar:

ClinVar aggregate classification (germline): Uncertain significance. Review status: criteria provided, multiple submitters, no conflicts (2 of 4 stars). 2 submissions from 2 submitters: Uncertain significance (2). Last evaluated 2024-05-22.

Conditions:
Muscular dystrophy-dystroglycanopathy (congenital with impaired intellectual development), type B, 1. Also called: MUSCULAR DYSTROPHY, CONGENITAL, POMT1-RELATED; Muscular dystrophy-dystroglycanopathy (congenital with intellectual disability), type B1. Identifiers: MedGen C5436962, MONDO:0013159, OMIM 613155.
Autosomal recessive limb-girdle muscular dystrophy type 2K. Also called: MUSCULAR DYSTROPHY-DYSTROGLYCANOPATHY (LIMB-GIRDLE), TYPE C, 1; MUSCULAR DYSTROPHY, LIMB-GIRDLE, TYPE 2K. Identifiers: Orphanet 86812, MedGen C1836373, MONDO:0012248, OMIM 609308.
Walker-Warburg congenital muscular dystrophy. Also called: Muscular dystrophy-dystroglycanopathy, type A; Walker-Warburg syndrome. Identifiers: Orphanet 899, MedGen C0265221, MONDO:0000171.

Submissions (2):

GeneDx
Classification: Uncertain significance. Last evaluated: 2024-05-22. Review status: criteria provided, single submitter. Criteria: GeneDx Variant Classification Process June 2021. Collection method: clinical testing. Allele origin: germline. Affected: yes.
Comment: Not observed at significant frequency in large population cohorts (gnomAD); Has not been previously published as pathogenic or benign to our knowledge; In silico analysis is inconclusive as to whether the variant alters gene splicing. In the absence of RNA/functional studies, the actual effect of this sequence change is unknown.

Labcorp Genetics (formerly Invitae), Labcorp
Classification: Uncertain significance for Muscular dystrophy-dystroglycanopathy (congenital with impaired intellectual development), type B, 1; Walker-Warburg congenital muscular dystrophy; Autosomal recessive limb-girdle muscular dystrophy type 2K. Last evaluated: 2022-03-29. Review status: criteria provided, single submitter. Criteria: Invitae Variant Classification Sherloc (09022015). Collection method: clinical testing. Allele origin: germline.
Comment: This variant is not present in population databases (gnomAD no frequency). In summary, the available evidence is currently insufficient to determine the role of this variant in disease. Therefore, it has been classified as a Variant of Uncertain Significance. Algorithms developed to predict the effect of sequence changes on RNA splicing suggest that this variant may disrupt the consensus splice site. ClinVar contains an entry for this variant (Variation ID: 1004877). This variant has not been reported in the literature in individuals affected with POMT1-related conditions. This sequence change affects codon 61 of the POMT1 mRNA. It is a 'silent' change, meaning that it does not change the encoded amino acid sequence of the POMT1 protein.

NM_001077365.2(POMT1):c.183G>A (p.Leu61=)

Gene: POMT1 (protein O-mannosyltransferase 1; plus strand). Cytogenetic location: 9q34.13.
Variant type: single nucleotide variant.
Coding change: c.183G>A on transcript NM_001077365.2 (MANE Select); coding-DNA position 183, G replaced by A.
Protein change: p.Leu61=; no amino-acid change (leucine 61 retained).
Molecular consequence: synonymous variant. On other transcripts: non-coding transcript variant (7), intron variant (8).
Genome position (GRCh38, 1-based): chr9:131,506,174, G>A. VCF-style: chr9-131506174-G-A. GRCh37 (hg19) VCF-style: chr9-134381561-G-A.
Other names: c.21G>A, p.Leu7= (NM_001077366.2, NM_001353194.2, NM_001353197.2 and 3 more transcripts); c.183G>A, p.Leu61= (NM_001136113.2, NM_001353193.2, NM_001374690.1 and 1 more transcripts); c.-71-1194G>A (NM_001374691.1, NM_001374692.1); c.123-229G>A (NM_001353196.2); c.-122-229G>A (NM_001353195.2, NM_001353199.2, NM_001136114.2); c.-30+1834G>A (NM_001374695.1); c.-80-229G>A (NM_001353200.2); c.183G>A (NM_007171.3).
Identifiers: ClinVar variation 1004877 (VCV001004877.10), dbSNP rs1945769344, ClinGen allele CA467421642.